The following is an entry in ClinVar:

NM_005751.5(AKAP9):c.1182A>G (p.Ile394Met)

Gene: AKAP9 (A-kinase anchoring protein 9; plus strand). Cytogenetic location: 7q21.2.
Variant type: single nucleotide variant.
Coding change: c.1182A>G on transcript NM_005751.5 (MANE Select); coding-DNA position 1182, A replaced by G.
Protein change: p.Ile394Met; replaces isoleucine 394 with methionine.
Molecular consequence: missense variant.
Genome position (GRCh38, 1-based): chr7:92,001,099, A>G. VCF-style: chr7-92001099-A-G. GRCh37 (hg19) VCF-style: chr7-91630413-A-G.
Other names: c.1182A>G, p.Ile394Met (NM_147185.3); short protein forms I394M.
Identifiers: ClinVar variation 1742449 (VCV001742449.2), dbSNP rs1032687352, ClinGen allele CA368121200.

ClinVar aggregate classification (germline): Uncertain significance (1 of 4 stars; one submission).

Conditions:
Cardiovascular phenotype. Identifiers: MedGen CN230736.

gnomAD v4.1: 1 of 1,613,946 alleles (0.000062%); highest among the groups gnomAD compares: Non-Finnish European, 0.000085%; no homozygotes.

Submission:

Ambry Genetics
Classification: Uncertain significance for Cardiovascular phenotype. Last evaluated: 2022-02-02. Review status: criteria provided, single submitter. Criteria: Ambry Variant Classification Scheme 2023. Collection method: clinical testing. Allele origin: germline.
Comment: The p.I394M variant (also known as c.1182A>G), located in coding exon 8 of the AKAP9 gene, results from an A to G substitution at nucleotide position 1182. The isoleucine at codon 394 is replaced by methionine, an amino acid with highly similar properties. This amino acid position is conserved. In addition, this alteration is predicted to be tolerated by in silico analysis. Since supporting evidence is limited at this time, the clinical significance of this alteration remains unclear.